The following is an entry in ClinVar:

NM_001377458.1(CLCC1):c.340C>T (p.Pro114Ser)

Gene: CLCC1 (chloride channel CLIC like 1; minus strand). Cytogenetic location: 1p13.3.
Variant type: single nucleotide variant.
Coding change: c.340C>T on transcript NM_001377458.1 (MANE Select); coding-DNA position 340, C replaced by T.
Protein change: p.Pro114Ser; replaces proline 114 with serine.
Molecular consequence: missense variant. On other transcripts: non-coding transcript variant (1), intron variant (3).
Genome position (GRCh38, 1-based): chr1:108,944,057, G>A on the plus strand (C>T on the coding strand, the complement: CLCC1 is on the minus strand). VCF-style: chr1-108944057-G-A. GRCh37 (hg19) VCF-style: chr1-109486679-G-A.
Other names: c.340C>T, p.Pro114Ser (NM_001048210.3, NM_001377459.1, NM_001377460.1 and 8 more transcripts); c.238C>T, p.Pro80Ser (NM_001377469.1); c.49C>T, p.Pro17Ser (NM_001377470.1); c.340-150C>T (NM_015127.5); c.340-2559C>T (NM_001278202.2); c.339+3554C>T (NM_001278203.1); c.340C>T (NM_001048210.1); short protein forms P114S, P17S, P80S.
Identifiers: ClinVar variation 1011438 (VCV001011438.3), dbSNP rs767242001, ClinGen allele CA983609.

ClinVar aggregate classification (germline): Uncertain significance. Review status: criteria provided, multiple submitters, no conflicts (2 of 4 stars). 2 submissions from 2 submitters: Uncertain significance (2). Last evaluated 2025-04-20.

Allele frequency attached by ClinVar (database versions not stated): gnomAD 0.00001 and 0.00002; ExAC 0.00001; gnomAD exomes 0.00001.

Submissions (2):

Ambry Genetics
Classification: Uncertain significance. Last evaluated: 2025-04-20. Review status: criteria provided, single submitter. Criteria: Ambry Variant Classification Scheme 2023. Collection method: clinical testing. Allele origin: germline.

Labcorp Genetics (formerly Invitae), Labcorp
Classification: Uncertain significance. Last evaluated: 2022-02-24. Review status: criteria provided, single submitter. Criteria: Invitae Variant Classification Sherloc (09022015). Collection method: clinical testing. Allele origin: germline.
Comment: This sequence change replaces proline, which is neutral and non-polar, with serine, which is neutral and polar, at codon 114 of the CLCC1 protein (p.Pro114Ser). This variant is present in population databases (rs767242001, gnomAD 0.004%). This variant has not been reported in the literature in individuals affected with CLCC1-related conditions. ClinVar contains an entry for this variant (Variation ID: 1011438). Algorithms developed to predict the effect of missense changes on protein structure and function output the following: SIFT: "Deleterious"; PolyPhen-2: "Possibly Damaging"; Align-GVGD: "Class C0". The serine amino acid residue is found in multiple mammalian species, which suggests that this missense change does not adversely affect protein function. In summary, the available evidence is currently insufficient to determine the role of this variant in disease. Therefore, it has been classified as a Variant of Uncertain Significance.